The following is an entry in ClinVar:

ClinVar aggregate classification (germline): Uncertain significance (1 of 4 stars; one submission).

Allele frequency attached by ClinVar (database versions not stated): gnomAD exomes 0.00001; TOPMed 0.00001 and 0.00002; gnomAD 0.00001; ExAC 0.00001.
gnomAD v4.1: 12 of 1,613,246 alleles (0.00074%); highest among the groups gnomAD compares: African/African-American, 0.0027%; no homozygotes.

Submission:

GeneDx
Classification: Uncertain significance. Last evaluated: 2013-08-09. Review status: criteria provided, single submitter. Criteria: GeneDx Variant Classification (06012015). Collection method: clinical testing. Allele origin: germline. Affected: yes.
Comment: Missense variants in the TTN gene are considered 'unclassified' if they are not previously reported in the literature and do not have >1% frequency in the population to be considered a polymorphism. Research indicates that truncating mutations in the TTN gene are expected to account for approximately 25% of familial and 18% of sporadic idiopathic DCM; however, truncating variants in the TTN gene have been reported in approximately 3% of reported control alleles. There has been little investigation into non-truncating variants. (Herman D et al. Truncations of titin causing dilated cardiomyopathy. N Eng J Med 366:619-628, 2012) The variant is found in DCM panel(s).

NM_001267550.2(TTN):c.42190A>G (p.Thr14064Ala)

Gene: TTN (titin; minus strand). Cytogenetic location: 2q31.2.
Variant type: single nucleotide variant.
Coding change: c.42190A>G on transcript NM_001267550.2 (MANE Select); coding-DNA position 42190, A replaced by G.
Protein change: p.Thr14064Ala; replaces threonine 14064 with alanine.
Molecular consequence: missense variant.
Genome position (GRCh38, 1-based): chr2:178,634,591, T>C on the plus strand (A>G on the coding strand, the complement: TTN is on the minus strand). VCF-style: chr2-178634591-T-C. GRCh37 (hg19) VCF-style: chr2-179499318-T-C.
Other names: p.T12423A:ACT>GCT; c.37267A>G, p.Thr12423Ala (NM_001256850.1); c.14995A>G, p.Thr4999Ala (NM_003319.4); c.34486A>G, p.Thr11496Ala (NM_133378.4); c.15370A>G, p.Thr5124Ala (NM_133432.3); c.15571A>G, p.Thr5191Ala (NM_133437.4); short protein forms T12423A, T14064A, T4999A, T5124A, T11496A, T5191A.
Identifiers: ClinVar variation 202624 (VCV000202624.2), dbSNP rs769719800, ClinGen allele CA309790.